The following is an entry in ClinVar:

NM_003631.5(PARG):c.2834C>T (p.Thr945Ile)

Gene: PARG (poly(ADP-ribose) glycohydrolase; minus strand). Cytogenetic location: 10q11.23.
Variant type: single nucleotide variant.
Coding change: c.2834C>T on transcript NM_003631.5 (MANE Select); coding-DNA position 2834, C replaced by T.
Protein change: p.Thr945Ile; replaces threonine 945 with isoleucine.
Molecular consequence: missense variant. On other transcripts: non-coding transcript variant (7).
Genome position (GRCh38, 1-based): chr10:49,819,437, G>A on the plus strand (C>T on the coding strand, the complement: PARG is on the minus strand). VCF-style: chr10-49819437-G-A. GRCh37 (hg19) VCF-style: chr10-51027483-G-A.
Other names: c.2588C>T, p.Thr863Ile (NM_001303486.3, NM_001324381.3); c.2510C>T, p.Thr837Ile (NM_001303487.3); c.1592C>T, p.Thr531Ile (NM_001303489.3); short protein forms T531I, T837I, T945I, T863I.
Identifiers: ClinVar variation 4130989 (VCV004130989.1).
Genomic context (GRCh38, chr10:49,819,437, plus strand): 5'-TCTGCACAGGACTCGACAGCATGGTATATGAATGGATAAAGCTTGATGTCTGGTCCAGGG[G>A]TGGAACAGTTTCTGCATTCTTCATTGTAGTATCGTAGCAACAGCTTATACACATCTCCTG-3'
Protein context (NP_003622.2, residues 935-955): YYNEECRNCS[Thr945Ile]PGPDIKLYPF

ClinVar aggregate classification (germline): Uncertain significance (1 of 4 stars; one submission).

gnomAD v4.1: 8 of 1,550,036 alleles (0.00052%); highest among the groups gnomAD compares: Non-Finnish European, 0.0007%; no homozygotes.

Submission:

Ambry Genetics
Classification: Uncertain significance. Last evaluated: 2025-08-10. Review status: criteria provided, single submitter. Criteria: Ambry Variant Classification Scheme 2023. Collection method: clinical testing. Allele origin: germline.
Comment: The c.2834C>T (p.T945I) alteration is located in exon (coding exon ) of the PARG gene. This alteration results from a C to T substitution at nucleotide position 2834, causing the threonine (T) at amino acid position 945 to be replaced by an isoleucine (I). Based on insufficient or conflicting evidence, the clinical significance of this alteration remains unclear.